The following is an entry in ClinVar:

NM_001201543.2(FAM161A):c.1568G>A (p.Arg523Gln)

Gene: FAM161A (FAM161 centrosomal protein A; minus strand). Cytogenetic location: 2p15.
Variant type: single nucleotide variant.
Coding change: c.1568G>A on transcript NM_001201543.2 (MANE Select); coding-DNA position 1568, G replaced by A.
Protein change: p.Arg523Gln; replaces arginine 523 with glutamine.
Molecular consequence: missense variant. On other transcripts: non-coding transcript variant (1).
Genome position (GRCh38, 1-based): chr2:61,839,436, C>T on the plus strand (G>A on the coding strand, the complement: FAM161A is on the minus strand). VCF-style: chr2-61839436-C-T. GRCh37 (hg19) VCF-style: chr2-62066571-C-T.
Other names: c.1568G>A, p.Arg523Gln (NM_032180.3); short protein forms R523Q.
Identifiers: ClinVar variation 1421382 (VCV001421382.6), dbSNP rs767768523, ClinGen allele CA1679122.

ClinVar aggregate classification (germline): Uncertain significance. Review status: criteria provided, single submitter (1 of 4 stars). 2 submissions from 2 submitters: Uncertain significance (1). 1 of the submissions does not count toward it. Last evaluated 2021-08-31.

Conditions:
Retinal dystrophy. Also called: Inherited retinal dystrophy. Identifiers: Orphanet 71862, MedGen C0854723, MeSH D058499, MONDO:0019118, HP:0000556.

Allele frequency attached by ClinVar (database versions not stated): gnomAD exomes 0.00001 and 0.00004; ExAC 0.00006.
gnomAD v4.1: 21 of 1,613,986 alleles (0.0013%); highest among the groups gnomAD compares: Admixed American, 0.013%; no homozygotes.

Submissions (2):

Labcorp Genetics (formerly Invitae), Labcorp
Classification: Uncertain significance. Last evaluated: 2021-08-31. Review status: criteria provided, single submitter. Criteria: Invitae Variant Classification Sherloc (09022015). Collection method: clinical testing. Allele origin: germline.
Comment: This sequence change replaces arginine with glutamine at codon 523 of the FAM161A protein (p.Arg523Gln). The arginine residue is highly conserved and there is a small physicochemical difference between arginine and glutamine. The frequency data for this variant in the population databases is considered unreliable, as metrics indicate poor data quality at this position in the ExAC database. This variant has not been reported in the literature in individuals affected with FAM161A-related conditions. Algorithms developed to predict the effect of missense changes on protein structure and function are either unavailable or do not agree on the potential impact of this missense change (SIFT: "Deleterious"; PolyPhen-2: "Probably Damaging"; Align-GVGD: "Class C0"). In summary, the available evidence is currently insufficient to determine the role of this variant in disease. Therefore, it has been classified as a Variant of Uncertain Significance.

Institute of Human Genetics, Univ. Regensburg, Univ. Regensburg
Classification: Uncertain significance for Retinal dystrophy. Last evaluated: 2023-01-01. Review status: no assertion criteria provided. Criteria: ACMG Guidelines, 2015. Collection method: clinical testing. Allele origin: germline. Affected: yes. Not counted in ClinVar's aggregate classification.